The following is an entry in ClinVar:

ClinVar aggregate classification (germline): Conflicting classifications of pathogenicity. Review status: criteria provided, conflicting classifications (1 of 4 stars). 14 submissions from 14 submitters: Uncertain significance (4); Likely benign (6). 4 of the submissions do not count toward it. Last evaluated 2026-01-12.

Conditions:
Hereditary cancer. Identifiers: MedGen C1333600.
Hereditary cancer-predisposing syndrome. Also called: Tumor predisposition; Neoplastic Syndromes, Hereditary; Hereditary neoplastic syndrome; Hereditary Cancer Syndrome. Identifiers: Orphanet 140162, MedGen C0027672, MeSH D009386, MONDO:0015356.
Hereditary breast ovarian cancer syndrome. Also called: Hereditary breast and ovarian cancer; Hereditary breast and ovarian cancer syndrome (HBOC); Hereditary breast and/or ovarian cancer syndrome; Breast and ovarian cancer; Hereditary breast and ovarian cancer syndrome; BRCA1- and BRCA2-Associated Hereditary Breast and Ovarian Cancer. Identifiers: Orphanet 145, MedGen C0677776, MeSH D061325, MONDO:0003582. Disease mechanism: loss of function.
Breast-ovarian cancer, familial, susceptibility to, 2 (BROVCA2). Also called: BRCA2 Hereditary Breast and Ovarian Cancer. Identifiers: Orphanet 145, MedGen C2675520, MONDO:0012933, OMIM 612555. Disease mechanism: loss of function.

Allele frequency attached by ClinVar (database versions not stated): ExAC 0.00001; gnomAD exomes 0.00001; gnomAD 0.00002 and 0.00001; TOPMed 0.00003.
gnomAD v4.1: 17 of 1,596,204 alleles (0.0011%); highest among the groups gnomAD compares: Middle Eastern, 0.034%; no homozygotes.

Submissions (14):

Labcorp Genetics (formerly Invitae), Labcorp
Classification: Likely benign for Hereditary breast ovarian cancer syndrome. Last evaluated: 2026-01-12. Review status: criteria provided, single submitter. Criteria: Invitae Variant Classification Sherloc (09022015). Collection method: clinical testing. Allele origin: germline.

Center for Genomic Medicine, Rigshospitalet, Copenhagen University Hospital
Classification: Likely benign. Last evaluated: 2025-03-04. Review status: criteria provided, single submitter. Criteria: ACMG Guidelines, 2015. Collection method: clinical testing. Allele origin: germline.

Mendelics
Classification: Likely benign for Hereditary cancer. Last evaluated: 2025-02-27. Review status: criteria provided, single submitter. Criteria: ACMG Guidelines, 2015. Collection method: clinical testing. Allele origin: unknown.
Comment: This variant is considered likely benign or benign based on one or more of the following: it is predicted to be benign by multiple in silico algorithms, and/or has population frequency not consistent with disease, and/or has normal protein function, and/or has lack of segregation with disease, and/or has been detected in co-occurrence with known pathogenic variant, and/or has lack of disease association in case-control studies, and/or is located in a region inconsistent with a known cause of pathogenicity.

GeneDx
Classification: Uncertain significance. Last evaluated: 2025-02-20. Review status: criteria provided, single submitter. Criteria: GeneDx Variant Classification Process June 2021. Collection method: clinical testing. Allele origin: germline. Affected: yes.
Comment: Predicted to likely not be pathogenic based on tumor pathology, clinical histories, family studies, and co-occurrence with deleterious mutations (PMID: 21990134); In silico analysis indicates that this missense variant does not alter protein structure/function; Not observed at significant frequency in large population cohorts (gnomAD); Also known as 1778A>G; This variant is associated with the following publications: (PMID: 27930734, 31131967, 32438681, 30287823, 25556971, 18824701, 26780556, 22476429, 26689913, 32377563, 34326862, 36243179, 35641219, 21990134, 37335020, 31907386, 34290354, 30254663)

Quest Diagnostics Nichols Institute San Juan Capistrano
Classification: Uncertain significance. Last evaluated: 2024-02-21. Review status: criteria provided, single submitter. Criteria: Quest Diagnostics criteria. Collection method: clinical testing. Allele origin: unknown.
Comment: The BRCA2 c.1550A>G (p.Asn517Ser) variant has been reported in the published literature as being likely benign based on multifactorial analyses (PMIDs: 21990134 (2012) and 18824701 (2008)). It has also been reported in affected individuals with breast and/or ovarian cancer (PMIDs: 35641219 (2022), 34290354 (2021), and 32438681 (2020)), as well as in large breast cancer association studies in both breast cancer cases as well as in reportedly healthy individuals (PMIDs: 33471991 (2021), see also LOVD), 30287823 (2018), 25556971 (2015), and 22476429 (2012)). A functional study reported this variant had no effect on splicing (PMID: 26780556 (2016)). The frequency of this variant in the general population, 0.000015 (4/264752 chromosomes (Genome Aggregation Database)), is uninformative in the assessment of its pathogenicity. Analysis of this variant using bioinformatics tools for the prediction of the effect of amino acid changes on protein structure and function yielded predictions that this variant is benign. Based on the available information, we are unable to determine the clinical significance of this variant.

Women's Health and Genetics/Laboratory Corporation of America, LabCorp
Classification: Uncertain significance. Last evaluated: 2023-08-22. Review status: criteria provided, single submitter. Criteria: LabCorp Variant Classification Summary - May 2015. Collection method: clinical testing. Allele origin: germline.
Comment: Variant summary: BRCA2 c.1550A>G (p.Asn517Ser) results in a conservative amino acid change in the encoded protein sequence. Five of five in-silico tools predict a benign effect of the variant on protein function. The variant allele was found at a frequency of 1.3e-05 in 233352 control chromosomes (gnomAD). The available data on variant occurrences in the general population are insufficient to allow any conclusion about variant significance. c.1550A>G has been reported in the literature in individuals with a personal or family history of breast and/or ovarian cancer (Trujillano_2014, Spearman_2008, Quiles_2016, Lu_2012, Zuntini_2018, Kim_2020, Abdel-Razeq_2021, Vargas_2022), however it was also found in unaffected control individuals (Momozawa_2018). These reports do not provide unequivocal conclusions about association of the variant with Hereditary Breast and Ovarian Cancer Syndrome. The variant was reported to have no effect on splicing based on analysis of mRNA extracted from patient derived lymphocytes (Quiles_2016), however deleterious effects at the protein level cannot be ruled out. The variant was predicted to be neutral based on a multifactorial probability model that performed systematic assessment of tumor pathology, clinical histories, family studies and co-occurrence with deleterious mutations (Lindor_2012). In addition, using a model based on tumor pathology and genetics including receptor status, tumor grade, loss of heterozygosity, and co-occurrence with deleterious mutations the variant was also suggested to be neutral (Spearman_2008). The following publications have been ascertained in the context of this evaluation (PMID: 34290354, 27930734, 31907386, 21990134, 22476429, 30287823, 26780556, 18824701, 25556971, 35641219, 30254663). Multiple submitters have reported clinical-significance assessments for this variant to ClinVar after 2014 with conflicting assessments: five submitters classified the variant as uncertain significance, and five submitters classified the variant as likely benign. Based on the evidence outlined above, the variant was classified as uncertain significance.

University of Washington Department of Laboratory Medicine, University of Washington
Classification: Likely benign for Hereditary cancer-predisposing syndrome. Last evaluated: 2023-03-23. Review status: criteria provided, single submitter. Criteria: Dines et al. (Genet Med. 2020). Collection method: curation. Allele origin: germline.
Comment: Missense variant in a coldspot region where missense variants are very unlikely to be pathogenic (PMID:31911673).

BRCA2 exon 10 coldspot. Reclassification based on statistical prior probability.

Sema4
Classification: Uncertain significance for Hereditary cancer-predisposing syndrome. Last evaluated: 2021-11-23. Review status: criteria provided, single submitter. Criteria: Sema4 Curation Guidelines. Collection method: curation. Allele origin: germline.
Comment: The BRCA2 c.1550A>G (p.N517S) variant has been reported in heterozygosity in at least two individuals undergoing testing related to hereditary breast and/or ovarian cancer (PMID: 22476429, 32438681). It was observed in 1/9214 chromosomes of the Ashkenazi Jewish subpopulation in the large and broad cohorts of the Genome Aggregation Database. The variant has been reported in ClinVar (Variation ID 37745). In silico tools suggest the impact of the variant on protein function is inconclusive, though these predictions have not been confirmed by functional studies. The evidence is insufficient to meet ACMG/AMP criteria for classifying the variant as benign or pathogenic. Thus, the clinical significance of this variant is currently uncertain.

Ambry Genetics
Classification: Likely benign for Hereditary cancer-predisposing syndrome. Last evaluated: 2018-08-28. Review status: criteria provided, single submitter. Criteria: Ambry Variant Classification Scheme 2023. Collection method: clinical testing. Allele origin: germline.

Color Diagnostics, LLC DBA Color Health
Classification: Likely benign for Hereditary cancer-predisposing syndrome. Last evaluated: 2017-05-22. Review status: criteria provided, single submitter. Criteria: ACMG Guidelines, 2015. Collection method: clinical testing. Allele origin: germline.

Department of Medical and Surgical Sciences, University of Bologna
Classification: Likely benign for Breast-ovarian cancer, familial, susceptibility to, 2. Last evaluated: 2023-09-01. Review status: no assertion criteria provided. Collection method: clinical testing. Allele origin: germline. Affected: yes. Not counted in ClinVar's aggregate classification.
Comment: BP1(Strong)+BP5(Supporting) according to ACMG/AMP classification guidelines specified for BRCA1 & BRCA2 (Classification Criteria V1.0.0 2023-09-08) (PMID: 38160042)

Counsyl
Classification: Likely benign for Breast-ovarian cancer, familial 2. Last evaluated: 2014-11-21. Review status: no assertion criteria provided. Collection method: literature only. Allele origin: unknown. Inheritance: Autosomal dominant inheritance. Not counted in ClinVar's aggregate classification.

Sharing Clinical Reports Project (SCRP)
Classification: Uncertain significance for Breast-ovarian cancer, familial 2. Last evaluated: 2013-01-08. Review status: no assertion criteria provided. Collection method: clinical testing. Allele origin: germline. Not counted in ClinVar's aggregate classification.

Breast Cancer Information Core (BIC) (BRCA2)
Classification: Uncertain significance for Breast-ovarian cancer, familial 2. Last evaluated: 2004-02-20. Review status: no assertion criteria provided. Collection method: clinical testing. Allele origin: germline. Affected: yes. Observed: 3 variant alleles. Not counted in ClinVar's aggregate classification.

Literature cited by the submitters: PubMed 21990134 (cited by 4 submitters); PubMed 25556971 (cited by 3 submitters); PubMed 33471991 (cited by Quest Diagnostics Nichols Institute San Juan Capistrano); PubMed 34290354 (cited by Quest Diagnostics Nichols Institute San Juan Capistrano and Women's Health and Genetics/Laboratory Corporation of America, LabCorp); PubMed 35641219 (cited by Quest Diagnostics Nichols Institute San Juan Capistrano and Women's Health and Genetics/Laboratory Corporation of America, LabCorp); PubMed 36243179 (cited by Quest Diagnostics Nichols Institute San Juan Capistrano); PubMed 32438681 (cited by Quest Diagnostics Nichols Institute San Juan Capistrano and Sema4); PubMed 26780556 (cited by Quest Diagnostics Nichols Institute San Juan Capistrano and Women's Health and Genetics/Laboratory Corporation of America, LabCorp); PubMed 22476429 (cited by 3 submitters); PubMed 30287823 (cited by Quest Diagnostics Nichols Institute San Juan Capistrano and Women's Health and Genetics/Laboratory Corporation of America, LabCorp); PubMed 18824701 (cited by 3 submitters); PubMed 27930734 (cited by Women's Health and Genetics/Laboratory Corporation of America, LabCorp); PubMed 30254663 (cited by Women's Health and Genetics/Laboratory Corporation of America, LabCorp); PubMed 31907386 (cited by Women's Health and Genetics/Laboratory Corporation of America, LabCorp).

NM_000059.4(BRCA2):c.1550A>G (p.Asn517Ser)

Gene: BRCA2 (BRCA2 DNA repair associated; plus strand). Cytogenetic location: 13q13.1.
Variant type: single nucleotide variant.
Coding change: c.1550A>G on transcript NM_000059.4 (MANE Select); coding-DNA position 1550, A replaced by G.
Protein change: p.Asn517Ser; replaces asparagine 517 with serine.
Molecular consequence: missense variant.
Genome position (GRCh38, 1-based): chr13:32,333,028, A>G. VCF-style: chr13-32333028-A-G. GRCh37 (hg19) VCF-style: chr13-32907165-A-G.
Other names: p.N517S:AAT>AGT; 1778A>G; short protein forms N517S.
Identifiers: ClinVar variation 37745 (VCV000037745.37), dbSNP rs80358439, ClinGen allele CA012378.
Genomic context (GRCh38, chr13:32,333,028, plus strand): 5'-CATTTCAGGGTATCAAAAAGTCTATATTCAGAATAAGAGAATCACCTAAAGAGACTTTCA[A>G]TGCAAGTTTTTCAGGTCATATGACTGATCCAAACTTTAAAAAAGAAACTGAAGCCTCTGA-3'
Protein context (NP_000050.3, residues 507-527): RIRESPKETF[Asn517Ser]ASFSGHMTDP